The following is an entry in ClinVar:

ClinVar aggregate classification (germline): Likely benign. Review status: criteria provided, multiple submitters, no conflicts (2 of 4 stars). 5 submissions from 5 submitters: Likely benign (5). Last evaluated 2026-01-02.

Conditions:
Autosomal recessive limb-girdle muscular dystrophy type 2J (LGMDR10). Also called: Limb-girdle muscular dystrophy, type 2J; MUSCULAR DYSTROPHY, LIMB-GIRDLE, AUTOSOMAL RECESSIVE 10. Identifiers: Orphanet 140922, MedGen C1837342, MONDO:0012127, OMIM 608807.
Dilated cardiomyopathy 1G (CMD1G). Identifiers: Orphanet 154, MedGen C1858763, MONDO:0011400, OMIM 604145.

Allele frequency attached by ClinVar (database versions not stated): ExAC 0.00005; gnomAD exomes 0.00005 and 0.00015; TOPMed 0.00007; gnomAD 0.00010 and 0.00011; 1000 Genomes Project 30x 0.00016; ESP Exome Variant Server 0.00017; 1000 Genomes Project 0.00020.
gnomAD v4.1: 229 of 1,602,568 alleles (0.014%); highest among the groups gnomAD compares: Non-Finnish European, 0.018%; 1 homozygote.

Submissions (5):

Labcorp Genetics (formerly Invitae), Labcorp
Classification: Likely benign for Dilated cardiomyopathy 1G; Autosomal recessive limb-girdle muscular dystrophy type 2J. Last evaluated: 2026-01-02. Review status: criteria provided, single submitter. Criteria: Invitae Variant Classification Sherloc (09022015). Collection method: clinical testing. Allele origin: germline.

Women's Health and Genetics/Laboratory Corporation of America, LabCorp
Classification: Likely benign. Last evaluated: 2024-01-28. Review status: criteria provided, single submitter. Criteria: LabCorp Variant Classification Summary - May 2015. Collection method: clinical testing. Allele origin: germline.

Blueprint Genetics
Classification: Likely benign. Last evaluated: 2024-01-23. Review status: criteria provided, single submitter. Criteria: ACMG Guidelines, 2015. Collection method: clinical testing. Allele origin: germline.

GeneDx
Classification: Likely benign. Last evaluated: 2017-08-18. Review status: criteria provided, single submitter. Criteria: GeneDx Variant Classification (06012015). Collection method: clinical testing. Allele origin: germline. Affected: yes.
Comment: This variant is considered likely benign or benign based on one or more of the following criteria: it is a conservative change, it occurs at a poorly conserved position in the protein, it is predicted to be benign by multiple in silico algorithms, and/or has population frequency not consistent with disease.

Laboratory for Molecular Medicine, Mass General Brigham Personalized Medicine
Classification: Likely benign. Last evaluated: 2012-03-19. Review status: criteria provided, single submitter. Criteria: LMM Criteria. Collection method: clinical testing. Allele origin: germline. Observed: 1 variant allele.
Comment: c.12043+14C>T in Intron 50 of TTN: This variant is not expected to have clinical significance because it is not located within the splice consensus sequence. It has been identified in 1/6580 European American chromosomes from a broad popula tion by the NHLBI Exome Sequencing Project (db SNP rs151057960).

NM_001267550.2(TTN):c.15775+14C>T

Gene: TTN (titin; minus strand). Cytogenetic location: 2q31.2.
Variant type: single nucleotide variant.
Coding change: c.15775+14C>T on transcript NM_001267550.2 (MANE Select); 14 bases into the intron after coding-DNA position 15775, C replaced by T.
Molecular consequence: intron variant.
Genome position (GRCh38, 1-based): chr2:178,733,600, G>A on the plus strand (C>T on the coding strand, the complement: TTN is on the minus strand). VCF-style: chr2-178733600-G-A. GRCh37 (hg19) VCF-style: chr2-179598327-G-A.
Other names: c.13282+4482C>T (NM_003319.4); c.13858+4482C>T (NM_133437.4); c.13657+4482C>T (NM_133432.3); c.12043+14C>T (NM_133378.4); c.14824+14C>T (NM_001256850.1).
Identifiers: ClinVar variation 166217 (VCV000166217.15), dbSNP rs151057960, ClinGen allele CA178984.